The following is an entry in ClinVar:

NM_001256715.2(DNAAF3):c.481-3C>G

Genes: DNAAF3 (dynein axonemal assembly factor 3; minus strand), DNAAF3-AS1 (DNAAF3 antisense RNA 1; plus strand). Cytogenetic location: 19q13.42.
Variant type: single nucleotide variant.
Coding change: c.481-3C>G on transcript NM_001256715.2 (MANE Select); 3 bases into the intron before coding-DNA position 481, C replaced by G.
Molecular consequence: intron variant.
Genome position (GRCh38, 1-based): chr19:55,161,828, G>C on the plus strand (C>G on the coding strand, the complement: DNAAF3 is on the minus strand). VCF-style: chr19-55161828-G-C. GRCh37 (hg19) VCF-style: chr19-55673196-G-C.
Other names: c.622-3C>G (NM_178837.4); c.685-3C>G (NM_001256714.1); c.319-3C>G (NM_001256716.2).
Identifiers: ClinVar variation 663239 (VCV000663239.7), dbSNP rs1599922783, ClinGen allele CA915953069.

ClinVar aggregate classification (germline): Uncertain significance (1 of 4 stars; one submission).

Conditions:
Primary ciliary dyskinesia. Also called: Ciliary dyskinesia. Identifiers: Orphanet 244, MedGen C0008780, MONDO:0016575, HP:0012265.

Allele frequency attached by ClinVar (database versions not stated): gnomAD exomes below 0.00001.
gnomAD v4.1: 1 of 1,433,996 alleles (0.00007%); highest among the groups gnomAD compares: Non-Finnish European, 0.000091%; no homozygotes.

Submission:

Labcorp Genetics (formerly Invitae), Labcorp
Classification: Uncertain significance for Primary ciliary dyskinesia. Last evaluated: 2018-10-08. Review status: criteria provided, single submitter. Criteria: Invitae Variant Classification Sherloc (09022015). Collection method: clinical testing. Allele origin: germline.
Comment: The frequency data for this variant in the population databases is considered unreliable, as metrics indicate insufficient coverage at this position in the ExAC database. In summary, the available evidence is currently insufficient to determine the role of this variant in disease. Therefore, it has been classified as a Variant of Uncertain Significance. Nucleotide substitutions within the consensus splice site are a relatively common cause of aberrant splicing (PMID: 17576681, 9536098). Algorithms developed to predict the effect of sequence changes on RNA splicing suggest that this variant may disrupt the consensus splice site, but this prediction has not been confirmed by published transcriptional studies. This variant has not been reported in the literature in individuals with DNAAF3-related disease. This sequence change falls in intron 5 of the DNAAF3 gene. It does not directly change the encoded amino acid sequence of the DNAAF3 protein, but it affects a nucleotide within the consensus splice site of the intron.

Literature cited by the submitters: PubMed 17576681; PubMed 9536098.